The following is an entry in ClinVar:

ClinVar aggregate classification (germline): Conflicting classifications of pathogenicity. Review status: criteria provided, conflicting classifications (1 of 4 stars). 3 submissions from 3 submitters: Pathogenic (1); Likely pathogenic (1); Uncertain significance (1). Last evaluated 2026-08-01.

Conditions:
Camptomelic dysplasia (CMPD). Also called: CMPD1/SRA1; Campomelic Dysplasia. Identifiers: Orphanet 140, MedGen C1861922, MONDO:0007251, OMIM 114290.

Submissions (3):

CeGaT Center for Human Genetics Tuebingen
Classification: Likely pathogenic. Last evaluated: 2026-08-01. Review status: criteria provided, single submitter. Criteria: CeGaT Center For Human Genetics Tuebingen Variant Classification Criteria Version 2. Collection method: clinical testing. Allele origin: germline. Affected: yes. Observed: 1 variant allele.
Comment: SOX9: PM1, PM2, PM5, PP2, PP3, PS4:Supporting

Labcorp Genetics (formerly Invitae), Labcorp
Classification: Pathogenic for Camptomelic dysplasia. Last evaluated: 2021-10-27. Review status: criteria provided, single submitter. Criteria: Invitae Variant Classification Sherloc (09022015). Collection method: clinical testing. Allele origin: germline.
Comment: For these reasons, this variant has been classified as Pathogenic. This variant disrupts the p.Arg120 amino acid residue in SOX9. Other variant(s) that disrupt this residue have been observed in individuals with SOX9-related conditions (PMID: 24451061), which suggests that this may be a clinically significant amino acid residue. Advanced modeling of protein sequence and biophysical properties (such as structural, functional, and spatial information, amino acid conservation, physicochemical variation, residue mobility, and thermodynamic stability) performed at Invitae indicates that this missense variant is expected to disrupt SOX9 protein function. This missense change has been observed in individual(s) with clinical features of SOX9-related conditions (Invitae). In at least one individual the variant was observed to be de novo. This variant is not present in population databases (gnomAD no frequency). This sequence change replaces arginine, a(n) basic and polar amino acid, with leucine, a(n) neutral and non-polar amino acid, at codon 120 of the SOX9 protein (p.Arg120Leu).

Blueprint Genetics
Classification: Uncertain significance. Last evaluated: 2018-08-15. Review status: criteria provided, single submitter. Criteria: ACMG Guidelines, 2015. Collection method: clinical testing. Allele origin: germline.

Literature cited by the submitters: PubMed 24451061 (cited by Labcorp Genetics (formerly Invitae), Labcorp).

NM_000346.4(SOX9):c.359G>T (p.Arg120Leu)

Genes: SOX9 (SRY-box transcription factor 9; plus strand), LOC108021846 (SOX9 promoter region; plus strand). Cytogenetic location: 17q24.3.
Variant type: single nucleotide variant.
Coding change: c.359G>T on transcript NM_000346.4 (MANE Select); coding-DNA position 359, G replaced by T.
Protein change: p.Arg120Leu; replaces arginine 120 with leucine.
Molecular consequence: missense variant.
Genome position (GRCh38, 1-based): chr17:72,121,750, G>T. VCF-style: chr17-72121750-G-T. GRCh37 (hg19) VCF-style: chr17-70117891-G-T.
Other names: short protein forms R120L.
Identifiers: ClinVar variation 1224338 (VCV001224338.9), dbSNP rs2143240394, ClinGen allele CA400866097.